The following is an entry in ClinVar:

NM_173630.4(RTTN):c.449del (p.Ser150fs)

Gene: RTTN (rotatin; minus strand). Cytogenetic location: 18q22.2.
Variant type: Deletion.
Coding change: c.449del on transcript NM_173630.4 (MANE Select); coding-DNA position 449, one base deleted (G; older notation c.449delG).
Protein change: p.Ser150fs; shifts the reading frame from serine 150.
Molecular consequence: frameshift variant. On other transcripts: 5 prime UTR variant (1).
Genome position (GRCh38, 1-based): chr18:70,201,932, C deleted on the plus strand (G on the coding strand, the reverse complement: RTTN is on the minus strand). VCF-style (leftmost placement, unchanged base first): chr18-70201931-AC-A. GRCh37 (hg19) VCF-style: chr18-67869167-AC-A.
Other names: c.-2105del (NM_001318520.2); short protein forms S150fs.
Identifiers: ClinVar variation 5005909 (VCV005005909.2).

ClinVar aggregate classification (germline): Likely pathogenic (1 of 4 stars; one submission).

Conditions:
Microcephalic primordial dwarfism due to RTTN deficiency (MSSP). Also called: MICROCEPHALY, SHORT STATURE, AND POLYMICROGYRIA; Microcephaly, short stature, and polymicrogyria with or without seizures. Identifiers: Orphanet 468631, MedGen C3553831, MONDO:0018764, OMIM 614833.

Submission:

Juno Genomics, Hangzhou Juno Genomics, Inc
Classification: Likely pathogenic for Microcephalic primordial dwarfism due to RTTN deficiency. Review status: criteria provided, single submitter. Criteria: ACMG Guidelines, 2015. Collection method: clinical testing. Allele origin: germline.
Comment: Null variant in a gene where loss of function (LOF) is a known mechanism of disease.;Absent from controls (or at extremely low frequency if recessive) in Genome Aggregation Database.